The following is an entry in ClinVar:

ClinVar aggregate classification (germline): Likely pathogenic (1 of 4 stars; one submission).

Submission:

Labcorp Genetics (formerly Invitae), Labcorp
Classification: Likely pathogenic. Last evaluated: 2024-07-16. Review status: criteria provided, single submitter. Criteria: Invitae Variant Classification Sherloc (09022015). Collection method: clinical testing. Allele origin: germline.
Comment: This sequence change affects a donor splice site in intron 3 of the OPA1 gene. It is expected to disrupt RNA splicing. Variants that disrupt the donor or acceptor splice site typically lead to a loss of protein function (PMID: 16199547), and loss-of-function variants in OPA1 are known to be pathogenic (PMID: 11440988, 20157015, 20952381, 25012220). This variant is not present in population databases (gnomAD no frequency). Disruption of this splice site has been observed in individual(s) with clinical features of optic neuropathy (PMID: 19319978). Algorithms developed to predict the effect of sequence changes on RNA splicing suggest that this variant may disrupt the consensus splice site. In summary, the currently available evidence indicates that the variant is pathogenic, but additional data are needed to prove that conclusively. Therefore, this variant has been classified as Likely Pathogenic.

Literature cited by the submitters: PubMed 16199547; PubMed 11440988; PubMed 20157015; PubMed 20952381; PubMed 25012220; PubMed 19319978.

NM_130837.3(OPA1):c.448+2T>A

Gene: OPA1 (OPA1 mitochondrial dynamin like GTPase; plus strand). Cytogenetic location: 3q29.
Variant type: single nucleotide variant.
Coding change: c.448+2T>A on transcript NM_130837.3 (MANE Select); the canonical splice donor site of the intron after coding-DNA position 448, T replaced by A.
Molecular consequence: splice donor variant.
Genome position (GRCh38, 1-based): chr3:193,615,772, T>A. VCF-style: chr3-193615772-T-A. GRCh37 (hg19) VCF-style: chr3-193333561-T-A.
Other names: c.76+2T>A (NM_001354664.2, NM_001354663.2); c.448+2T>A (NM_130834.3, NM_130836.3, NM_015560.3 and 4 more transcripts).
Identifiers: ClinVar variation 3659686 (VCV003659686.2).